The following is an entry in ClinVar:

NM_001079802.2(FKTN):c.981C>G (p.Tyr327Ter)

Gene: FKTN (fukutin; plus strand). Cytogenetic location: 9q31.2.
Variant type: single nucleotide variant.
Coding change: c.981C>G on transcript NM_001079802.2 (MANE Select); coding-DNA position 981, C replaced by G.
Protein change: p.Tyr327Ter; replaces tyrosine 327 with a stop codon.
Molecular consequence: nonsense. On other transcripts: non-coding transcript variant (1).
Genome position (GRCh38, 1-based): chr9:105,618,029, C>G. VCF-style: chr9-105618029-C-G. GRCh37 (hg19) VCF-style: chr9-108380310-C-G.
Other names: c.981C>G, p.Tyr327Ter (NM_001198963.2, NM_001351496.2, NM_001351498.2 and 1 more transcripts); c.912C>G, p.Tyr304Ter (NM_001351497.2); c.585C>G, p.Tyr195Ter (NM_001351499.2, NM_001351500.2, NM_001351501.2 and 1 more transcripts); short protein forms Y195*, Y304*, Y327*.
Identifiers: ClinVar variation 4850304 (VCV004850304.1).
Genomic context (GRCh38, chr9:105,618,029, plus strand): 5'-ACAATGCAACATTATTCCTTATAGCAAAGATGTTGACCTAGGAATTTTTATACAAGATTA[C>G]AAATCTGATATTATTTTAGCATTTCAGGATGCAGGACTTCCGCTCAAACACAAATTTGGG-3'

ClinVar aggregate classification (germline): Likely pathogenic (1 of 4 stars; one submission).

Conditions:
Autosomal recessive limb-girdle muscular dystrophy type 2M. Also called: MUSCULAR DYSTROPHY-DYSTROGLYCANOPATHY (LIMB-GIRDLE), TYPE C, 4; MUSCULAR DYSTROPHY, LIMB-GIRDLE, TYPE 2M. Identifiers: Orphanet 206554, MedGen C1969040, MONDO:0012699, OMIM 611588.
Dilated cardiomyopathy 1X (CMD1X). Also called: CARDIOMYOPATHY, DILATED, WITH MILD OR NO PROXIMAL MUSCLE WEAKNESS; FKTN-Related Dilated Cardiomyopathy. Identifiers: Orphanet 154, MedGen C1969024, MONDO:0012704, OMIM 611615.
Muscular dystrophy-dystroglycanopathy (congenital without impaired intellectual development), type B, 4. Also called: MUSCULAR DYSTROPHY, CONGENITAL, FKTN-RELATED; Muscular dystrophy-dystroglycanopathy (congenital without intellectual disability), type B4. Identifiers: MedGen C2751052, MONDO:0013156, OMIM 613152.
Muscular dystrophy-dystroglycanopathy (congenital with brain and eye anomalies), type A, 4 (MDDGA4). Also called: Muscular dystrophy, congenital progressive, with mental retardation; Muscular dystrophy, congenital, with central nervous system involvement; Cerebromuscular dystrophy, Fukuyama type; Fukuyama congenital muscular dystrophy; WALKER-WARBURG SYNDROME OR MUSCLE-EYE-BRAIN DISEASE, FKTN-RELATED; Congenital muscular dystrophy-dystroglycanopathy with brain and eye anomalies, type A4. Identifiers: Orphanet 272, Orphanet 588, Orphanet 899, MedGen C0410174, MONDO:0009678, OMIM 253800.

Submission:

First Genomix Gene Laboratory, Genetic Diagnostics Department
Classification: Likely pathogenic for Dilated cardiomyopathy 1X; Muscular dystrophy-dystroglycanopathy (congenital with brain and eye anomalies), type A, 4; Muscular dystrophy-dystroglycanopathy (congenital without impaired intellectual development), type B, 4; Autosomal recessive limb-girdle muscular dystrophy type 2M. Last evaluated: 2025-09-19. Review status: criteria provided, single submitter. Criteria: ACMG Guidelines, 2015. Collection method: clinical testing. Allele origin: germline. Inheritance: Autosomal recessive inheritance. Affected: no. Observed: 1 variant allele.